The following is an entry in ClinVar:

ClinVar aggregate classification (germline): Uncertain significance (1 of 4 stars; one submission).

Allele frequency attached by ClinVar (database versions not stated): gnomAD 0.00001; ExAC 0.00003.
gnomAD v4.1: 8 of 1,613,698 alleles (0.0005%); highest among the groups gnomAD compares: East Asian, 0.0022%; no homozygotes.

Submission:

GeneDx
Classification: Uncertain significance. Last evaluated: 2022-05-26. Review status: criteria provided, single submitter. Criteria: GeneDx Variant Classification Process June 2021. Collection method: clinical testing. Allele origin: germline. Affected: yes.
Comment: In silico analysis supports that this missense variant has a deleterious effect on protein structure/function; Has not been previously published as pathogenic or benign to our knowledge

NM_001886.3(CRYBA4):c.284G>A (p.Arg95Gln)

Gene: CRYBA4 (crystallin beta A4; plus strand). Cytogenetic location: 22q12.1.
Variant type: single nucleotide variant.
Coding change: c.284G>A on transcript NM_001886.3 (MANE Select); coding-DNA position 284, G replaced by A.
Protein change: p.Arg95Gln; replaces arginine 95 with glutamine.
Molecular consequence: missense variant.
Genome position (GRCh38, 1-based): chr22:26,625,606, G>A. VCF-style: chr22-26625606-G-A. GRCh37 (hg19) VCF-style: chr22-27021570-G-A.
Other names: short protein forms R95Q.
Identifiers: ClinVar variation 1801179 (VCV001801179.1), dbSNP rs749066010, ClinGen allele CA10165759.